The following is an entry in ClinVar:

ClinVar aggregate classification (germline): Uncertain significance (1 of 4 stars; one submission).

Conditions:
Short-rib thoracic dysplasia 13 with or without polydactyly (SRTD13). Identifiers: Orphanet 474, MedGen C4225378, MONDO:0014577, OMIM 616300.

Submission:

Labcorp Genetics (formerly Invitae), Labcorp
Classification: Uncertain significance for Short-rib thoracic dysplasia 13 with or without polydactyly. Last evaluated: 2022-05-16. Review status: criteria provided, single submitter. Criteria: Invitae Variant Classification Sherloc (09022015). Collection method: clinical testing. Allele origin: germline.
Comment: This sequence change replaces histidine, which is basic and polar, with tyrosine, which is neutral and polar, at codon 26 of the CEP120 protein (p.His26Tyr). This variant is not present in population databases (gnomAD no frequency). This variant has not been reported in the literature in individuals affected with CEP120-related conditions. Algorithms developed to predict the effect of missense changes on protein structure and function are either unavailable or do not agree on the potential impact of this missense change (SIFT: "Tolerated"; PolyPhen-2: "Probably Damaging"; Align-GVGD: "Class C0"). In summary, the available evidence is currently insufficient to determine the role of this variant in disease. Therefore, it has been classified as a Variant of Uncertain Significance.

NM_001375405.1(CEP120):c.76C>T (p.His26Tyr)

Gene: CEP120 (centrosomal protein 120; minus strand). Cytogenetic location: 5q23.2.
Variant type: single nucleotide variant.
Coding change: c.76C>T on transcript NM_001375405.1 (MANE Select); coding-DNA position 76, C replaced by T.
Protein change: p.His26Tyr; replaces histidine 26 with tyrosine.
Molecular consequence: missense variant. On other transcripts: 5 prime UTR variant (3), non-coding transcript variant (1).
Genome position (GRCh38, 1-based): chr5:123,418,489, G>A on the plus strand (C>T on the coding strand, the complement: CEP120 is on the minus strand). VCF-style: chr5-123418489-G-A. GRCh37 (hg19) VCF-style: chr5-122754183-G-A.
Other names: c.-3C>T (NM_001166226.2); c.76C>T, p.His26Tyr (NM_001375406.1, NM_001375407.1, NM_153223.4); c.-673C>T (NM_001375408.1); c.-615C>T (NM_001375409.1); short protein forms H26Y.
Identifiers: ClinVar variation 2101065 (VCV002101065.4), dbSNP rs2479500046, ClinGen allele CA360897341.
Genomic context (GRCh38, chr5:123,418,489, plus strand): 5'-GGTCCACAGGATCAGTAGCCAACTGTTCTCCATCAAACTTTGCTTCCACTACAAGCATAT[G>A]CTTTGGACGTTTGGGGAAATGCCGACCTGGAGAAACAGAATATATAGATTAATCAAAAGT-3'
Protein context (NP_001362334.1, residues 16-36): EGRHFPKRPK[His26Tyr]MLVVEAKFDG